The following is an entry in ClinVar:

NM_000038.6(APC):c.4046A>G (p.His1349Arg)

Gene: APC (APC regulator of Wnt signaling pathway; plus strand). Cytogenetic location: 5q22.2.
Variant type: single nucleotide variant.
Coding change: c.4046A>G on transcript NM_000038.6 (MANE Select); coding-DNA position 4046, A replaced by G.
Protein change: p.His1349Arg; replaces histidine 1349 with arginine.
Molecular consequence: missense variant.
Genome position (GRCh38, 1-based): chr5:112,839,640, A>G. VCF-style: chr5-112839640-A-G. GRCh37 (hg19) VCF-style: chr5-112175337-A-G.
Other names: c.4046A>G, p.His1349Arg (NM_001127510.3, NM_001354895.2); c.3992A>G, p.His1331Arg (NM_001127511.3); c.4100A>G, p.His1367Arg (NM_001354896.2); c.4076A>G, p.His1359Arg (NM_001354897.2); c.3971A>G, p.His1324Arg (NM_001354898.2); c.3962A>G, p.His1321Arg (NM_001354899.2); c.3923A>G, p.His1308Arg (NM_001354900.2); c.3869A>G, p.His1290Arg (NM_001354901.2); and 5 more; short protein forms H1189R, H1308R, H1321R, H1367R, H1258R, H1331R, H1223R, H1290R.
Identifiers: ClinVar variation 656241 (VCV000656241.13), dbSNP rs748872251, ClinGen allele CA037445.
Genomic context (GRCh38, chr5:112,839,640, plus strand): 5'-ACCCTAGAACCAAATCCAGCAGACTGCAGGGTTCTAGTTTATCTTCAGAATCAGCCAGGC[A>G]CAAAGCTGTTGAATTTTCTTCAGGAGCGAAATCTCCCTCCAAAAGTGGTGCTCAGACACC-3'
Protein context (NP_000029.2, residues 1339-1359): GSSLSSESAR[His1349Arg]KAVEFSSGAK

ClinVar aggregate classification (germline): Uncertain significance. Review status: criteria provided, multiple submitters, no conflicts (2 of 4 stars). 2 submissions from 2 submitters: Uncertain significance (2). Last evaluated 2023-01-20.
ClinVar aggregate classification (oncogenicity): Uncertain significance (1 of 4 stars; one submission).

Conditions:
Hereditary cancer-predisposing syndrome. Also called: Hereditary neoplastic syndrome; Tumor predisposition; Neoplastic Syndromes, Hereditary; Hereditary Cancer Syndrome. Identifiers: Orphanet 140162, MedGen C0027672, MeSH D009386, MONDO:0015356.
Familial adenomatous polyposis 1 (FAP1). Also called: FAMILIAL ADENOMATOUS POLYPOSIS 1, ATTENUATED; POLYPOSIS, ADENOMATOUS INTESTINAL. Identifiers: MedGen C2713442, MONDO:0021056, OMIM 175100. Disease mechanism: loss of function.
Neoplasm. Also called: Neoplasms; Neoplasm (disease); tumor. Identifiers: MedGen C0027651, MeSH D009369, MONDO:0005070, HP:0002664.

Allele frequency attached by ClinVar (database versions not stated): gnomAD 0.00001; ExAC 0.00001; gnomAD exomes below 0.00001.
gnomAD v4.1: 2 of 1,614,070 alleles (0.00012%); highest among the groups gnomAD compares: Non-Finnish European, 0.000085%; no homozygotes.

Submissions (3):

Center for Genomic Medicine, Rigshospitalet, Copenhagen University Hospital
Classification: Uncertain significance for Neoplasm. Last evaluated: 2025-03-04. Review status: criteria provided, single submitter. Criteria: ClinGen/CGC/VICC Guidelines for Oncogenicity, 2022. Collection method: clinical testing. Allele origin: somatic. Affected: yes.

Labcorp Genetics (formerly Invitae), Labcorp
Classification: Uncertain significance for Familial adenomatous polyposis 1. Last evaluated: 2023-01-20. Review status: criteria provided, single submitter. Criteria: Invitae Variant Classification Sherloc (09022015). Collection method: clinical testing. Allele origin: germline.
Comment: In summary, the available evidence is currently insufficient to determine the role of this variant in disease. Therefore, it has been classified as a Variant of Uncertain Significance. Advanced modeling of protein sequence and biophysical properties (such as structural, functional, and spatial information, amino acid conservation, physicochemical variation, residue mobility, and thermodynamic stability) performed at Invitae indicates that this missense variant is not expected to disrupt APC protein function. ClinVar contains an entry for this variant (Variation ID: 656241). This variant has not been reported in the literature in individuals affected with APC-related conditions. This variant is not present in population databases (gnomAD no frequency). This sequence change replaces histidine, which is basic and polar, with arginine, which is basic and polar, at codon 1349 of the APC protein (p.His1349Arg).

Ambry Genetics
Classification: Uncertain significance for Hereditary cancer-predisposing syndrome. Last evaluated: 2022-11-17. Review status: criteria provided, single submitter. Criteria: Ambry Variant Classification Scheme 2023. Collection method: clinical testing. Allele origin: germline.
Comment: The p.H1349R variant (also known as c.4046A>G), located in coding exon 15 of the APC gene, results from an A to G substitution at nucleotide position 4046. The histidine at codon 1349 is replaced by arginine, an amino acid with highly similar properties. This amino acid position is well conserved in available vertebrate species. In addition, in silico predictors for this gene do not accurately predict pathogenicity. Since supporting evidence is limited at this time, the clinical significance of this alteration remains unclear.

Literature cited by the submitters: PubMed 14672538 (cited by Center for Genomic Medicine, Rigshospitalet, Copenhagen University Hospital).